The following is an entry in ClinVar:

ClinVar aggregate classification (germline): Likely benign (1 of 4 stars; one submission).

Submission:

CeGaT Center for Human Genetics Tuebingen
Classification: Likely benign. Last evaluated: 2026-07-01. Review status: criteria provided, single submitter. Criteria: CeGaT Center For Human Genetics Tuebingen Variant Classification Criteria Version 2. Collection method: clinical testing. Allele origin: germline. Affected: yes. Observed: 1 variant allele.
Comment: IRF2BPL: PM2:Supporting, BP4, BP7

NM_024496.4(IRF2BPL):c.888C>A (p.Pro296=)

Gene: IRF2BPL (interferon regulatory factor 2 binding protein like; minus strand). Cytogenetic location: 14q24.3.
Variant type: single nucleotide variant.
Coding change: c.888C>A on transcript NM_024496.4 (MANE Select); coding-DNA position 888, C replaced by A.
Protein change: p.Pro296=; no amino-acid change (proline 296 retained).
Molecular consequence: synonymous variant.
Genome position (GRCh38, 1-based): chr14:77,026,905, G>T on the plus strand (C>A on the coding strand, the complement: IRF2BPL is on the minus strand). VCF-style: chr14-77026905-G-T. GRCh37 (hg19) VCF-style: chr14-77493248-G-T.
Identifiers: ClinVar variation 5039861 (VCV005039861.1).